The following is an entry in ClinVar:

ClinVar aggregate classification (germline): Uncertain significance (1 of 4 stars; one submission).

Conditions:
Hereditary cancer-predisposing syndrome. Also called: Tumor predisposition; Hereditary Cancer Syndrome; Neoplastic Syndromes, Hereditary; Hereditary neoplastic syndrome. Identifiers: Orphanet 140162, MedGen C0027672, MeSH D009386, MONDO:0015356.

Submission:

Ambry Genetics
Classification: Uncertain significance for Hereditary cancer-predisposing syndrome. Last evaluated: 2021-11-15. Review status: criteria provided, single submitter. Criteria: Ambry Variant Classification Scheme 2023. Collection method: clinical testing. Allele origin: germline.
Comment: The p.K847R variant (also known as c.2540A>G), located in coding exon 25 of the RB1 gene, results from an A to G substitution at nucleotide position 2540. The lysine at codon 847 is replaced by arginine, an amino acid with highly similar properties. This amino acid position is highly conserved in available vertebrate species. In addition, the in silico prediction for this alteration is inconclusive. Since supporting evidence is limited at this time, the clinical significance of this alteration remains unclear.

NM_000321.3(RB1):c.2540A>G (p.Lys847Arg)

Gene: RB1 (RB transcriptional corepressor 1; plus strand). Cytogenetic location: 13q14.2.
Variant type: single nucleotide variant.
Coding change: c.2540A>G on transcript NM_000321.3 (MANE Select); coding-DNA position 2540, A replaced by G.
Protein change: p.Lys847Arg; replaces lysine 847 with arginine.
Molecular consequence: missense variant.
Genome position (GRCh38, 1-based): chr13:48,476,720, A>G. VCF-style: chr13-48476720-A-G. GRCh37 (hg19) VCF-style: chr13-49050856-A-G.
Other names: c.2540A>G, p.Lys847Arg (NM_001407165.1); c.-11A>G (NM_001407168.1); short protein forms K847R.
Identifiers: ClinVar variation 1792814 (VCV001792814.2), dbSNP rs2138358982, ClinGen allele CA388168225.